The following is an entry in ClinVar:

ClinVar aggregate classification (germline): Uncertain significance (1 of 4 stars; one submission).

Conditions:
MYH14-related disorder. Also called: MYH14-related condition.

gnomAD v4.1: 6 of 1,583,308 alleles (0.00038%); highest among the groups gnomAD compares: Non-Finnish European, 0.00051%; no homozygotes.

Submission:

PreventionGenetics, part of Exact Sciences
Classification: Uncertain significance for MYH14-related condition. Last evaluated: 2025-09-02. Review status: criteria provided, single submitter. Criteria: ACMG Guidelines, 2015. Collection method: clinical testing. Allele origin: germline.
Comment: The MYH14 c.28G>C variant is predicted to result in the amino acid substitution p.Gly10Arg. To our knowledge, this variant has not been reported in the literature or in a large population database (gnomAD), indicating this variant is rare. At this time, the clinical significance of this variant is uncertain due to the absence of conclusive functional and genetic evidence.

NM_001145809.2(MYH14):c.28G>C (p.Gly10Arg)

Gene: MYH14 (myosin heavy chain 14; plus strand). Cytogenetic location: 19q13.33.
Variant type: single nucleotide variant.
Coding change: c.28G>C on transcript NM_001145809.2 (MANE Select); coding-DNA position 28, G replaced by C.
Protein change: p.Gly10Arg; replaces glycine 10 with arginine.
Molecular consequence: missense variant.
Genome position (GRCh38, 1-based): chr19:50,210,393, G>C. VCF-style: chr19-50210393-G-C. GRCh37 (hg19) VCF-style: chr19-50713650-G-C.
Other names: c.28G>C, p.Gly10Arg (NM_001077186.2, NM_024729.4); short protein forms G10R.
Identifiers: ClinVar variation 4997263 (VCV004997263.1).
Genomic context (GRCh38, chr19:50,210,393, plus strand): 5'-GACCCCCACCCTCTTTCTTTGCCCCTGCAGACCATGGCAGCCGTGACCATGTCGGTGCCC[G>C]GGCGGAAGGCGCCCCCCAGGCCGGGCCCAGTGCCCGAGGCGGCCCAGCCGTTCCTGTTCA-3'
Protein context (NP_001139281.1, residues 1-20): MAAVTMSVP[Gly10Arg]RKAPPRPGPV